The following is an entry in ClinVar:

ClinVar aggregate classification (germline): Likely benign (1 of 4 stars; one submission).

Allele frequency attached by ClinVar (database versions not stated): gnomAD 0.00005; gnomAD exomes 0.00005; TOPMed 0.00006; ExAC 0.00007; ESP Exome Variant Server 0.00019.
gnomAD v4.1: 62 of 1,208,596 alleles (0.0051%); highest among the groups gnomAD compares: East Asian, 0.003%; no homozygotes.

Submission:

CeGaT Center for Human Genetics Tuebingen
Classification: Likely benign. Last evaluated: 2023-04-01. Review status: criteria provided, single submitter. Criteria: CeGaT Center For Human Genetics Tuebingen Variant Classification Criteria Version 2. Collection method: clinical testing. Allele origin: germline. Affected: yes. Observed: 1 variant allele.
Comment: RADX: BP4, BS2

NM_018015.6(RADX):c.2099G>A (p.Arg700His)

Gene: RADX (RPA1 related single stranded DNA binding protein, X-linked; plus strand). Cytogenetic location: Xq22.3.
Variant type: single nucleotide variant.
Coding change: c.2099G>A on transcript NM_018015.6 (MANE Select); coding-DNA position 2099, G replaced by A.
Protein change: p.Arg700His; replaces arginine 700 with histidine.
Molecular consequence: missense variant.
Genome position (GRCh38, 1-based): chrX:106,662,135, G>A. VCF-style: chrX-106662135-G-A. GRCh37 (hg19) VCF-style: chrX-105905365-G-A.
Other names: c.1808G>A, p.Arg603His (NM_001184782.2); short protein forms R603H, R700H.
Identifiers: ClinVar variation 2661136 (VCV002661136.24), dbSNP rs139595497, ClinGen allele CA10482416.